The following is an entry in ClinVar:

NM_000037.4(ANK1):c.910-2A>T

Gene: ANK1 (ankyrin 1; minus strand). Cytogenetic location: 8p11.21.
Variant type: single nucleotide variant.
Coding change: c.910-2A>T on transcript NM_000037.4 (MANE Select); the canonical splice acceptor site of the intron before coding-DNA position 910, A replaced by T.
Molecular consequence: splice acceptor variant.
Genome position (GRCh38, 1-based): chr8:41,719,860, T>A on the plus strand (A>T on the coding strand, the complement: ANK1 is on the minus strand). VCF-style: chr8-41719860-T-A. GRCh37 (hg19) VCF-style: chr8-41577378-T-A.
Other names: c.1009-2A>T (NM_001142446.2); c.910-2A>T (NM_020477.3, NM_020475.3, NM_020476.3).
Identifiers: ClinVar variation 3639905 (VCV003639905.2).
Genomic context (GRCh38, chr8:41,719,860, plus strand): 5'-AGCCGGACACAGTCGAGGTGGTCTCCCTGAGCCGCCATGTGAATTGGGGACAGGCCGTTC[T>A]GGGTAAAGAGGAAAACACAAGCAATCACAAAGTCTTCTGGGGACCGAGCATGGAGATTCA-3'

ClinVar aggregate classification (germline): Likely pathogenic (1 of 4 stars; one submission).

Submission:

Labcorp Genetics (formerly Invitae), Labcorp
Classification: Likely pathogenic. Last evaluated: 2024-02-09. Review status: criteria provided, single submitter. Criteria: Invitae Variant Classification Sherloc (09022015). Collection method: clinical testing. Allele origin: germline.
Comment: This sequence change affects an acceptor splice site in intron 9 of the ANK1 gene. It is expected to disrupt RNA splicing. Variants that disrupt the donor or acceptor splice site typically lead to a loss of protein function (PMID: 16199547), and loss-of-function variants in ANK1 are known to be pathogenic (PMID: 8640229). This variant is not present in population databases (gnomAD no frequency). This variant has not been reported in the literature in individuals affected with ANK1-related conditions. Algorithms developed to predict the effect of sequence changes on RNA splicing suggest that this variant may disrupt the consensus splice site. In summary, the currently available evidence indicates that the variant is pathogenic, but additional data are needed to prove that conclusively. Therefore, this variant has been classified as Likely Pathogenic.

Literature cited by the submitters: PubMed 16199547; PubMed 8640229.